The following is an entry in ClinVar:

ClinVar aggregate classification (germline): Uncertain significance (1 of 4 stars; one submission).

Allele frequency attached by ClinVar (database versions not stated): 1000 Genomes Project 30x 0.00016; 1000 Genomes Project 0.00020.
gnomAD v4.1: 30 of 1,614,028 alleles (0.0019%); highest among the groups gnomAD compares: South Asian, 0.0055%; no homozygotes.

Submission:

Labcorp Genetics (formerly Invitae), Labcorp
Classification: Uncertain significance. Last evaluated: 2022-03-08. Review status: criteria provided, single submitter. Criteria: Invitae Variant Classification Sherloc (09022015). Collection method: clinical testing. Allele origin: germline.
Comment: This sequence change replaces proline, which is neutral and non-polar, with leucine, which is neutral and non-polar, at codon 705 of the COL27A1 protein (p.Pro705Leu). This variant is present in population databases (rs549850855, gnomAD 0.01%). This variant has not been reported in the literature in individuals affected with COL27A1-related conditions. Advanced modeling of protein sequence and biophysical properties (such as structural, functional, and spatial information, amino acid conservation, physicochemical variation, residue mobility, and thermodynamic stability) performed at Invitae indicates that this missense variant is not expected to disrupt COL27A1 protein function. In summary, the available evidence is currently insufficient to determine the role of this variant in disease. Therefore, it has been classified as a Variant of Uncertain Significance.

NM_032888.4(COL27A1):c.2114C>T (p.Pro705Leu)

Gene: COL27A1 (collagen type XXVII alpha 1 chain; plus strand). Cytogenetic location: 9q32.
Variant type: single nucleotide variant.
Coding change: c.2114C>T on transcript NM_032888.4 (MANE Select); coding-DNA position 2114, C replaced by T.
Protein change: p.Pro705Leu; replaces proline 705 with leucine.
Molecular consequence: missense variant.
Genome position (GRCh38, 1-based): chr9:114,196,002, C>T. VCF-style: chr9-114196002-C-T. GRCh37 (hg19) VCF-style: chr9-116958282-C-T.
Other names: short protein forms P705L.
Identifiers: ClinVar variation 1447248 (VCV001447248.3), dbSNP rs549850855, ClinGen allele CA5201612.